The following is an entry in ClinVar:

ClinVar aggregate classification (germline): Uncertain significance (1 of 4 stars; one submission).

Conditions:
Inborn genetic diseases. Identifiers: MedGen C0950123, MeSH D030342.

Submission:

Ambry Genetics
Classification: Uncertain significance for Inborn genetic diseases. Last evaluated: 2017-10-27. Review status: criteria provided, single submitter. Criteria: Ambry Variant Classification Scheme 2023. Collection method: clinical testing. Allele origin: germline.
Comment: The p.E77* variant (also known as c.229G>T), located in coding exon 3 of the GABRB3 gene, results from a G to T substitution at nucleotide position 229. This changes the amino acid from a glutamic acid to a stop codon within coding exon 3. This amino acid position is highly conserved in available vertebrate species. This alteration is expected to result in loss of function by premature protein truncation or nonsense-mediated mRNA decay. However, loss of function of GABRB3 has not been clearly established as a mechanism of disease. Since supporting evidence is limited at this time, the clinical significance of this alteration remains unclear.

NM_000814.6(GABRB3):c.229G>T (p.Glu77Ter)

Gene: GABRB3 (gamma-aminobutyric acid type A receptor subunit beta3; minus strand). Cytogenetic location: 15q12.
Variant type: single nucleotide variant.
Coding change: c.229G>T on transcript NM_000814.6 (MANE Select); coding-DNA position 229, G replaced by T.
Protein change: p.Glu77Ter; replaces glutamic acid 77 with a stop codon.
Molecular consequence: nonsense. On other transcripts: 5 prime UTR variant (1).
Genome position (GRCh38, 1-based): chr15:26,772,413, C>A on the plus strand (G>T on the coding strand, the complement: GABRB3 is on the minus strand). VCF-style: chr15-26772413-C-A. GRCh37 (hg19) VCF-style: chr15-27017560-C-A.
Other names: c.-123G>T (NM_001278631.2); c.229G>T, p.Glu77Ter (NM_021912.5); short protein forms E77*.
Identifiers: ClinVar variation 1789240 (VCV001789240.2), dbSNP rs2504093926, ClinGen allele CA391465182.
Genomic context (GRCh38, chr15:26,772,413, plus strand): 5'-GACAGCGGGCCGGGGGCTCAGGGACCGCCCTGGGAGGGCGGGCACTCACCATGTTGACTT[C>A]GGAAACCATGTCGATGCTGGCGATGTCGATGTTCATCCCCACGCAGACCGGGGGACCTGC-3'